The following is an entry in ClinVar:

ClinVar aggregate classification (germline): Pathogenic. Review status: criteria provided, multiple submitters, no conflicts (2 of 4 stars). 18 submissions from 18 submitters: Pathogenic (18). Last evaluated 2026-07-22.

Conditions:
Polycystic kidney disease 2 (PKD2). Also called: POLYCYSTIC KIDNEY DISEASE 2 WITH OR WITHOUT POLYCYSTIC LIVER DISEASE; Polycystic Kidney Disease 2, Autosomal Dominant; POLYCYSTIC KIDNEY DISEASE, ADULT, TYPE II. Identifiers: MedGen C2751306, MONDO:0013131, OMIM 613095.
PKD2-related disorder. Also called: PKD2-related condition.
Inborn genetic diseases. Identifiers: MedGen C0950123, MeSH D030342.
Autosomal dominant polycystic kidney disease. Identifiers: Orphanet 730, MedGen C0085413, MONDO:0004691.

Allele frequency attached by ClinVar (database versions not stated): TOPMed below 0.00001; gnomAD 0.00001; gnomAD exomes 0.00001.
gnomAD v4.1: 7 of 1,613,930 alleles (0.00043%); highest among the groups gnomAD compares: East Asian, 0.0022%; no homozygotes.

Submissions 1 to 15 of 18:

Victorian Clinical Genetics Services, Murdoch Childrens Research Institute
Classification: Pathogenic for Polycystic kidney disease 2. Last evaluated: 2026-07-22. Review status: criteria provided, single submitter. Criteria: ACMG Guidelines, 2015. Collection method: clinical testing. Allele origin: germline. Affected: yes.
Comment: This variant is classified as Pathogenic. Evidence in support of pathogenic classification: This variant is predicted to cause nonsense-mediated decay (NMD) and loss of protein (premature termination codon is located at least 54 nucleotides upstream of the final exon-exon junction); This variant is present in gnomAD <0.001 for a dominant condition (v4: 7 heterozygote(s), 0 homozygote(s)); This variant has strong previous evidence of pathogenicity in unrelated individuals. This variant has been classified as pathogenic by multiple clinical laboratories (ClinVar). It has been reported in the literature in heterozygous individuals with autosomal dominant polycystic kidney disease (PMID: 28356211, 34101167); Other NMD predicted variants comparable to the one identified in this case have very strong previous evidence for pathogenicity (ClinVar). Additional information: This variant is heterozygous; This gene is associated with autosomal dominant disease; Loss of function is a known mechanism of disease in this gene and is associated with polycystic kidney disease 2 (MIM#613095); Inheritance information for this variant is not currently available in this individual.

Labcorp Genetics (formerly Invitae), Labcorp
Classification: Pathogenic for Autosomal dominant polycystic kidney disease. Last evaluated: 2025-12-01. Review status: criteria provided, single submitter. Criteria: Invitae Variant Classification Sherloc (09022015). Collection method: clinical testing. Allele origin: germline.
Comment: This sequence change creates a premature translational stop signal (p.Arg325*) in the PKD2 gene. It is expected to result in an absent or disrupted protein product. Loss-of-function variants in PKD2 are known to be pathogenic (PMID: 17582161, 22863349). This variant is present in population databases (no rsID available, gnomAD 0.003%). This premature translational stop signal has been observed in individual(s) with polycystic kidney disease (PMID: 17582161, 22185115, 25149526). ClinVar contains an entry for this variant (Variation ID: 411870). For these reasons, this variant has been classified as Pathogenic.

Genomic Medicine Center of Excellence, King Faisal Specialist Hospital and Research Centre
Classification: Pathogenic for Polycystic kidney disease 2. Last evaluated: 2025-09-10. Review status: criteria provided, single submitter. Criteria: ACMG Guidelines, 2015. Collection method: clinical testing. Allele origin: germline.

PreventionGenetics, part of Exact Sciences
Classification: Pathogenic for PKD2-related condition. Last evaluated: 2025-09-02. Review status: criteria provided, single submitter. Criteria: ACMG Guidelines, 2015. Collection method: clinical testing. Allele origin: germline.
Comment: The PKD2 c.973C>T variant is predicted to result in premature protein termination (p.Arg325*). This variant was reported in individuals with autosomal dominant polycystic kidney disease (ADPKD) (see for example, Table 1A of Appendix, Rossetti et al. 2007. PubMed ID: 17582161; He et al. 2018. PubMed ID: 30333007). This variant is reported in 0.0029% of alleles in individuals of Latino descent in gnomAD. Nonsense variants in PKD2 are expected to be pathogenic. This variant is interpreted as pathogenic.

Mayo Clinic Laboratories, Mayo Clinic
Classification: Pathogenic. Last evaluated: 2024-12-30. Review status: criteria provided, single submitter. Criteria: ACMG Guidelines, 2015. Collection method: clinical testing. Allele origin: germline. Observed: 3 variant alleles.
Comment: PM6_supporting, PS4_moderate, PVS1

3billion
Classification: Pathogenic for Polycystic kidney disease 2. Last evaluated: 2023-11-08. Review status: criteria provided, single submitter. Criteria: ACMG Guidelines, 2015. Collection method: clinical testing. Allele origin: germline. Affected: yes.
Comment: The variant is observed at an extremely low frequency in the gnomAD v2.1.1 dataset (total allele frequency: 0.001%). Predicted Consequence/Location: Stop-gained (nonsense): predicted to result in a loss or disruption of normal protein function through nonsense-mediated decay (NMD) or protein truncation. Multiple pathogenic variants are reported downstream of the variant. The variant has been reported at least twice as pathogenic with clinical assertions and evidence for the classification (ClinVar ID: VCV000411870 /PMID: 17582161). Therefore, this variant is classified as Pathogenic according to the recommendation of ACMG/AMP guideline.

Ambry Genetics
Classification: Pathogenic for Inborn genetic diseases. Last evaluated: 2023-07-03. Review status: criteria provided, single submitter. Criteria: Ambry Variant Classification Scheme 2023. Collection method: clinical testing. Allele origin: germline.
Comment: The c.973C>T (p.R325*) alteration, located in exon 4 (coding exon 4) of the PKD2 gene, consists of a C to T substitution at nucleotide position 973. This changes the amino acid from a arginine (R) to a stop codon at amino acid position 325. This alteration is expected to result in loss of function by premature protein truncation or nonsense-mediated mRNA decay. Based on data from gnomAD, the T allele has an overall frequency of 0.001% (3/251098) total alleles studied. The highest observed frequency was 0.016% (1/6126) of Other alleles. This mutation has been reported in multiple individuals with polycystic kidney disease (Raj, 2017; Cornec-Le Gall, 2017; He, 2018; Xu, 2021; Mallawaarachchi, 2021). Based on the available evidence, this alteration is classified as pathogenic.

GeneDx
Classification: Pathogenic. Last evaluated: 2023-06-30. Review status: criteria provided, single submitter. Criteria: GeneDx Variant Classification Process June 2021. Collection method: clinical testing. Allele origin: germline. Affected: yes.
Comment: Nonsense variant predicted to result in protein truncation or nonsense mediated decay in a gene for which loss-of-function is a known mechanism of disease; Not observed at significant frequency in large population cohorts (gnomAD); This variant is associated with the following publications: (PMID: 25525159, 22508176, 17582161, 25149526, 29321346, 30333007, 33569422, 34733539, 22185115, 33437033, 34101167)

Blueprint Genetics
Classification: Pathogenic for PKD2-related disorders. Last evaluated: 2022-07-12. Review status: criteria provided, single submitter. Criteria: ACMG Guidelines, 2015. Collection method: clinical testing. Allele origin: germline. Affected: yes. Observed: 4 variant alleles.

Athena Diagnostics
Classification: Pathogenic. Last evaluated: 2022-03-11. Review status: criteria provided, single submitter. Criteria: Athena Diagnostics Criteria. Collection method: clinical testing. Allele origin: unknown.
Comment: This variant is expected to result in the loss of a functional protein. The frequency of this variant in the general population is consistent with pathogenicity. This variant has been identified in at least one individual with clinical features associated with this gene.

MGZ Medical Genetics Center
Classification: Pathogenic for Polycystic kidney disease 2. Last evaluated: 2021-11-23. Review status: criteria provided, single submitter. Criteria: ACMG Guidelines, 2015. Collection method: clinical testing. Allele origin: germline. Affected: yes. Observed: 2 variant alleles.
Comment: ACMG criteria applied: PVS1, PS4_MOD, PM2_SUP, PP4

Fulgent Genetics
Classification: Pathogenic for Polycystic kidney disease 2. Last evaluated: 2021-06-30. Review status: criteria provided, single submitter. Criteria: ACMG Guidelines, 2015. Collection method: clinical testing. Allele origin: unknown.
Comment: This variant has been detected in individual(s) who were sent for testing of Renasight - kidney gene panel.

Department of Pathology and Laboratory Medicine, Sinai Health System
Classification: Pathogenic for Polycystic kidney disease 2. Last evaluated: 2021-05-04. Review status: criteria provided, single submitter. Criteria: ACMG Guidelines, 2015. Collection method: clinical testing. Allele origin: germline. Affected: yes.

Center for Genomics, Ann and Robert H. Lurie Children's Hospital of Chicago
Classification: Pathogenic for Polycystic kidney disease 2. Last evaluated: 2021-03-30. Review status: criteria provided, single submitter. Criteria: ACMG Guidelines, 2015. Collection method: clinical testing. Allele origin: germline.
Comment: PKD2 NM_000297.3 exon 4 p.Arg325* (c.973C>T): This variant has been reported in the literature in 5 individuals with polycystic kidney disease (Rossetti 2007 PMID:17582161, Oka 2014 PMID:25149526, Raj 2017 PMID:29321346, Yu 2011 PMID:22185115). This variant is present in 0.002% (1/34548) of Latino alleles in the Genome Aggregation Database. Please note, disease causing variants may be present in control databases at low frequencies, reflective of the general population and/or variable expressivity. This variant is present in ClinVar, with multiple labs classifying this variant as pathogenic (Variation ID:411870). Evolutionary conservation and computational predictive tools for this variant are limited or unavailable. This variant creates a premature stop at this codon which results in an absent or abnormal protein. Loss of function variants are a known mechanism of disease for this gene (Wu 2009 PMID: 10655152). In summary, this variant is classified as pathogenic based on the data above (reported probands, impact to protein etc.)

CeGaT Center for Human Genetics Tuebingen
Classification: Pathogenic. Last evaluated: 2021-02-01. Review status: criteria provided, single submitter. Criteria: CeGaT Center For Human Genetics Tuebingen Variant Classification Criteria Version 2. Collection method: clinical testing. Allele origin: germline. Affected: yes. Observed: 1 variant allele.

NM_000297.4(PKD2):c.973C>T (p.Arg325Ter)

Gene: PKD2 (polycystin 2, transient receptor potential cation channel; plus strand). Cytogenetic location: 4q22.1.
Variant type: single nucleotide variant.
Coding change: c.973C>T on transcript NM_000297.4 (MANE Select); coding-DNA position 973, C replaced by T.
Protein change: p.Arg325Ter; replaces arginine 325 with a stop codon.
Molecular consequence: nonsense. On other transcripts: non-coding transcript variant (1).
Genome position (GRCh38, 1-based): chr4:88,038,380, C>T. VCF-style: chr4-88038380-C-T. GRCh37 (hg19) VCF-style: chr4-88959532-C-T.
Other names: short protein forms R325*.
Identifiers: ClinVar variation 411870 (VCV000411870.69), dbSNP rs1060503526, ClinGen allele CA16611587.